The following is an entry in ClinVar:

ClinVar aggregate classification (germline): Uncertain significance (1 of 4 stars; one submission).

Submission:

GeneDx
Classification: Uncertain significance. Last evaluated: 2022-11-04. Review status: criteria provided, single submitter. Criteria: GeneDx Variant Classification Process June 2021. Collection method: clinical testing. Allele origin: germline. Affected: yes.
Comment: Frameshift variant predicted to result in protein truncation or nonsense mediated decay in a gene or region of a gene for which loss of function is not a well-established mechanism of disease; Has not been previously published as pathogenic or benign to our knowledge

NM_001042475.3(CEP85L):c.418del (p.Glu140fs)

Gene: CEP85L (centrosomal protein 85 like; minus strand). Cytogenetic location: 6q22.31.
Variant type: Deletion.
Coding change: c.418del on transcript NM_001042475.3 (MANE Select); coding-DNA position 418, one base deleted (G; older notation c.418delG).
Protein change: p.Glu140fs; shifts the reading frame from glutamic acid 140.
Molecular consequence: frameshift variant.
Genome position (GRCh38, 1-based): chr6:118,566,131, C deleted on the plus strand (G on the coding strand, the reverse complement: CEP85L is on the minus strand); the first of 6 consecutive C bases (chr6:118,566,131-118,566,136); deleting any one gives the same sequence. VCF-style (leftmost placement, unchanged base first): chr6-118566130-TC-T. GRCh37 (hg19) VCF-style: chr6-118887293-TC-T.
Other names: c.427del, p.Glu143fs (NM_001178035.2); c.418del, p.Glu140fs (NM_206921.3); short protein forms E140fs, E143fs.
Identifiers: ClinVar variation 2501617 (VCV002501617.1), dbSNP rs776770568, ClinGen allele CA3978110.